The following is an entry in ClinVar:

NM_020778.5(ALPK3):c.3796A>G (p.Lys1266Glu)

Gene: ALPK3 (alpha kinase 3; plus strand). Cytogenetic location: 15q25.3.
Variant type: single nucleotide variant.
Coding change: c.3796A>G on transcript NM_020778.5 (MANE Select); coding-DNA position 3796, A replaced by G.
Protein change: p.Lys1266Glu; replaces lysine 1266 with glutamic acid.
Molecular consequence: missense variant.
Genome position (GRCh38, 1-based): chr15:84,858,534, A>G. VCF-style: chr15-84858534-A-G. GRCh37 (hg19) VCF-style: chr15-85401765-A-G.
Other names: c.4402A>G (NM_020778.4); short protein forms K1266E.
Identifiers: ClinVar variation 1494533 (VCV001494533.10), dbSNP rs993911691, ClinGen allele CA273626028.

ClinVar aggregate classification (germline): Uncertain significance. Review status: criteria provided, multiple submitters, no conflicts (2 of 4 stars). 2 submissions from 2 submitters: Uncertain significance (2). Last evaluated 2024-10-07.

Conditions:
Cardiovascular phenotype. Identifiers: MedGen CN230736.

Allele frequency attached by ClinVar (database versions not stated): gnomAD 0.00001; TOPMed 0.00003.
gnomAD v4.1: 7 of 1,588,596 alleles (0.00044%); highest among the groups gnomAD compares: African/African-American, 0.008%; no homozygotes.

Submissions (2):

Labcorp Genetics (formerly Invitae), Labcorp
Classification: Uncertain significance. Last evaluated: 2024-10-07. Review status: criteria provided, single submitter. Criteria: Invitae Variant Classification Sherloc (09022015). Collection method: clinical testing. Allele origin: germline.
Comment: This sequence change replaces lysine, which is basic and polar, with glutamic acid, which is acidic and polar, at codon 1468 of the ALPK3 protein (p.Lys1468Glu). This variant is not present in population databases (gnomAD no frequency). This variant has not been reported in the literature in individuals affected with ALPK3-related conditions. ClinVar contains an entry for this variant (Variation ID: 1494533). Invitae Evidence Modeling of protein sequence and biophysical properties (such as structural, functional, and spatial information, amino acid conservation, physicochemical variation, residue mobility, and thermodynamic stability) has been performed for this missense variant. However, the output from this modeling did not meet the statistical confidence thresholds required to predict the impact of this variant on ALPK3 protein function. In summary, the available evidence is currently insufficient to determine the role of this variant in disease. Therefore, it has been classified as a Variant of Uncertain Significance.

Ambry Genetics
Classification: Uncertain significance for Cardiovascular phenotype. Last evaluated: 2024-08-28. Review status: criteria provided, single submitter. Criteria: Ambry Variant Classification Scheme 2023. Collection method: clinical testing. Allele origin: germline.